The following is an entry in ClinVar:

ClinVar aggregate classification (germline): Uncertain significance (1 of 4 stars; one submission).

gnomAD v4.1: 1 of 1,614,082 alleles (0.000062%); highest among the groups gnomAD compares: Non-Finnish European, 0.000085%; no homozygotes.

Submission:

GeneDx
Classification: Uncertain significance. Last evaluated: 2023-03-07. Review status: criteria provided, single submitter. Criteria: GeneDx Variant Classification Process June 2021. Collection method: clinical testing. Allele origin: germline. Affected: yes.
Comment: Not observed at significant frequency in large population cohorts (gnomAD); In silico analysis supports that this missense variant has a deleterious effect on protein structure/function; Has not been previously published as pathogenic or benign to our knowledge

NM_004766.3(COPB2):c.778A>G (p.Thr260Ala)

Gene: COPB2 (COPI coat complex subunit beta 2; minus strand). Cytogenetic location: 3q23.
Variant type: single nucleotide variant.
Coding change: c.778A>G on transcript NM_004766.3 (MANE Select); coding-DNA position 778, A replaced by G.
Protein change: p.Thr260Ala; replaces threonine 260 with alanine.
Molecular consequence: missense variant. On other transcripts: non-coding transcript variant (1).
Genome position (GRCh38, 1-based): chr3:139,373,782, T>C on the plus strand (A>G on the coding strand, the complement: COPB2 is on the minus strand). VCF-style: chr3-139373782-T-C. GRCh37 (hg19) VCF-style: chr3-139092624-T-C.
Other names: c.691A>G, p.Thr231Ala (NM_001410834.1); short protein forms T231A, T260A.
Identifiers: ClinVar variation 2579384 (VCV002579384.1), dbSNP rs2472907774, ClinGen allele CA354758511.
Genomic context (GRCh38, chr3:139,373,782, plus strand): 5'-GACTGGCCACGCACCATACCCTCTCCATTCCATAATTCAGTGTGCTCTCAAGCCGGTAGG[T>C]GCTTGAATGCCAAATACGTACTGTTCCTAAAAAGAACAATGTAAATACTCCCTTTTGATA-3'
Protein context (NP_004757.1, residues 250-270): DGTVRIWHSS[Thr260Ala]YRLESTLNYG